The following is an entry in ClinVar:

NM_006073.4(TRDN):c.874C>T (p.Pro292Ser)

Genes: TRDN (triadin; minus strand), TRDN-AS1 (TRDN antisense RNA 1; plus strand). Cytogenetic location: 6q22.31.
Variant type: single nucleotide variant.
Coding change: c.874C>T on transcript NM_006073.4 (MANE Select); coding-DNA position 874, C replaced by T.
Protein change: p.Pro292Ser; replaces proline 292 with serine.
Molecular consequence: missense variant.
Genome position (GRCh38, 1-based): chr6:123,464,963, G>A on the plus strand (C>T on the coding strand, the complement: TRDN is on the minus strand). VCF-style: chr6-123464963-G-A. GRCh37 (hg19) VCF-style: chr6-123786108-G-A.
Other names: c.874C>T, p.Pro292Ser (NM_001251987.2); c.814C>T, p.Pro272Ser (NM_001256020.2, NM_001407315.1); short protein forms P272S, P292S.
Identifiers: ClinVar variation 1764526 (VCV001764526.4), dbSNP rs549030753, ClinGen allele CA147276886.

ClinVar aggregate classification (germline): Uncertain significance. Review status: criteria provided, multiple submitters, no conflicts (2 of 4 stars). 2 submissions from 2 submitters: Uncertain significance (2). Last evaluated 2022-05-30.

Conditions:
Cardiovascular phenotype. Identifiers: MedGen CN230736.
Catecholaminergic polymorphic ventricular tachycardia 1. Also called: VENTRICULAR TACHYCARDIA, CATECHOLAMINERGIC POLYMORPHIC, 1, WITH OR WITHOUT ATRIAL DYSFUNCTION AND/OR DILATED CARDIOMYOPATHY; VENTRICULAR TACHYCARDIA, STRESS-INDUCED POLYMORPHIC 1; RYR2-Related Catecholaminergic Polymorphic Ventricular Tachycardia. Identifiers: Orphanet 3286, MedGen C1631597, MONDO:0011484, OMIM 604772.

Allele frequency attached by ClinVar (database versions not stated): gnomAD 0.00001; TOPMed 0.00002.
gnomAD v4.1: 6 of 1,599,254 alleles (0.00038%); highest among the groups gnomAD compares: African/African-American, 0.0067%; no homozygotes.

Submissions (2):

Labcorp Genetics (formerly Invitae), Labcorp
Classification: Uncertain significance for Catecholaminergic polymorphic ventricular tachycardia 1. Last evaluated: 2022-05-30. Review status: criteria provided, single submitter. Criteria: Invitae Variant Classification Sherloc (09022015). Collection method: clinical testing. Allele origin: germline.
Comment: This sequence change replaces proline, which is neutral and non-polar, with serine, which is neutral and polar, at codon 292 of the TRDN protein (p.Pro292Ser). The frequency data for this variant in the population databases is considered unreliable, as metrics indicate poor data quality at this position in the gnomAD database. This variant has not been reported in the literature in individuals affected with TRDN-related conditions. Algorithms developed to predict the effect of missense changes on protein structure and function output the following: SIFT: "Deleterious"; PolyPhen-2: "Benign"; Align-GVGD: "Class C0". The serine amino acid residue is found in multiple mammalian species, which suggests that this missense change does not adversely affect protein function. In summary, the available evidence is currently insufficient to determine the role of this variant in disease. Therefore, it has been classified as a Variant of Uncertain Significance.

Ambry Genetics
Classification: Uncertain significance for Cardiovascular phenotype. Last evaluated: 2022-04-09. Review status: criteria provided, single submitter. Criteria: Ambry Variant Classification Scheme 2023. Collection method: clinical testing. Allele origin: germline.
Comment: The p.P292S variant (also known as c.874C>T), located in coding exon 10 of the TRDN gene, results from a C to T substitution at nucleotide position 874. The proline at codon 292 is replaced by serine, an amino acid with similar properties. This amino acid position is conserved. In addition, this alteration is predicted to be tolerated by in silico analysis. Since supporting evidence is limited at this time, the clinical significance of this alteration remains unclear.